The following is an entry in ClinVar:

ClinVar aggregate classification (germline): Likely pathogenic (1 of 4 stars; one submission).

Conditions:
Mucopolysaccharidosis type 6 (MPS6). Also called: N-ACETYLGALACTOSAMINE-4-SULFATASE DEFICIENCY; MPS VI; MPS 6; Maroteaux Lamy syndrome; ARSB DEFICIENCY; ARYLSULFATASE B DEFICIENCY. Identifiers: Orphanet 583, MedGen C0026709, MONDO:0009661, OMIM 253200.

Submission:

Laboratory of Diagnosis and Therapy of Lysosomal Disorders, University of Padova
Classification: Likely pathogenic for Mucopolysaccharidosis type 6. Last evaluated: 2018-01-01. Review status: criteria provided, single submitter. Criteria: ACMG Guidelines, 2015. Collection method: curation. Allele origin: germline. Affected: yes.
Comment: Frameshift variant (PVS1); Absent from GnomAD (PM2)

Literature cited by the submitters: PubMed 25654180; PubMed 30118150.

NM_000046.5(ARSB):c.883_884dup (p.Ile296fs)

Gene: ARSB (arylsulfatase B; minus strand). Cytogenetic location: 5q14.1.
Variant type: Duplication.
Coding change: c.883_884dup on transcript NM_000046.5 (MANE Select); coding-DNA positions 883 to 884, 2 bases duplicated (TT; older notation c.883_884dupTT).
Protein change: p.Ile296fs; shifts the reading frame from isoleucine 296.
Molecular consequence: frameshift variant.
Genome position (GRCh38, 1-based): chr5:78,955,309-78,955,310, AA duplicated on the plus strand (TT on the coding strand, the reverse complement: ARSB is on the minus strand). VCF-style (leftmost placement, unchanged base first): chr5-78955308-G-GAA. GRCh37 (hg19) VCF-style: chr5-78251131-G-GAA.
Other names: c.883_884dup, p.Ile296fs (NM_198709.3); short protein forms I296fs.
Identifiers: ClinVar variation 559816 (VCV000559816.1), dbSNP rs1554086370, ClinGen allele CA658822927.